The following is an entry in ClinVar:

NM_001271803.2(REEP2):c.425G>T (p.Gly142Val)

Gene: REEP2 (receptor accessory protein 2; plus strand). Cytogenetic location: 5q31.2.
Variant type: single nucleotide variant.
Coding change: c.425G>T on transcript NM_001271803.2 (MANE Select); coding-DNA position 425, G replaced by T.
Protein change: p.Gly142Val; replaces glycine 142 with valine.
Molecular consequence: missense variant. On other transcripts: non-coding transcript variant (2).
Genome position (GRCh38, 1-based): chr5:138,445,235, G>T. VCF-style: chr5-138445235-G-T. GRCh37 (hg19) VCF-style: chr5-137780924-G-T.
Other names: c.419G>T, p.Gly140Val (NM_016606.4); short protein forms G140V, G142V.
Identifiers: ClinVar variation 4849196 (VCV004849196.1).

ClinVar aggregate classification (germline): Uncertain significance (1 of 4 stars; one submission).

Conditions:
Hereditary spastic paraplegia 72 (SPG72A). Also called: Spastic paraplegia 72, autosomal recessive. Identifiers: Orphanet 401849, MedGen C5882669, MONDO:0014282, OMIM 615625.

Submission:

MVZ Medizinische Genetik Mainz
Classification: Uncertain significance for Hereditary spastic paraplegia 72. Last evaluated: 2026-03-17. Review status: criteria provided, single submitter. Criteria: UK Practice Guidelines For Variant Classification V4 01 2020. Collection method: clinical testing. Allele origin: germline. Inheritance: Autosomal dominant inheritance. Affected: yes. Observed: 1 variant allele.
Comment: ACMG Criteria: PP3_MOD,PM2_SUP